The following is an entry in ClinVar:

ClinVar aggregate classification (germline): Uncertain significance. Review status: criteria provided, multiple submitters, no conflicts (2 of 4 stars). 3 submissions from 3 submitters: Uncertain significance (3). Last evaluated 2023-12-15.

Conditions:
Inborn genetic diseases. Identifiers: MedGen C0950123, MeSH D030342.

Allele frequency attached by ClinVar (database versions not stated): TOPMed below 0.00001; ESP Exome Variant Server 0.00008.
gnomAD v4.1: 18 of 1,614,074 alleles (0.0011%); highest among the groups gnomAD compares: Non-Finnish European, 0.0013%; no homozygotes.

Submissions (3):

Blueprint Genetics
Classification: Uncertain significance. Last evaluated: 2023-12-15. Review status: criteria provided, single submitter. Criteria: ACMG Guidelines, 2015. Collection method: clinical testing. Allele origin: germline.

Ambry Genetics
Classification: Uncertain significance for Inborn genetic diseases. Last evaluated: 2023-03-20. Review status: criteria provided, single submitter. Criteria: Ambry Variant Classification Scheme 2023. Collection method: clinical testing. Allele origin: germline.

Labcorp Genetics (formerly Invitae), Labcorp
Classification: Uncertain significance. Last evaluated: 2021-08-14. Review status: criteria provided, single submitter. Criteria: Invitae Variant Classification Sherloc (09022015). Collection method: clinical testing. Allele origin: germline.
Comment: This sequence change replaces glycine with valine at codon 90 of the MME protein (p.Gly90Val). The glycine residue is moderately conserved and there is a moderate physicochemical difference between glycine and valine. This variant is present in population databases (rs375446154, ExAC 0.01%). This variant has not been reported in the literature in individuals affected with MME-related conditions. Algorithms developed to predict the effect of missense changes on protein structure and function are either unavailable or do not agree on the potential impact of this missense change (SIFT: "Tolerated"; PolyPhen-2: "Probably Damaging"; Align-GVGD: "Class C0"). In summary, the available evidence is currently insufficient to determine the role of this variant in disease. Therefore, it has been classified as a Variant of Uncertain Significance.

NM_007289.4(MME):c.269G>T (p.Gly90Val)

Gene: MME (membrane metalloendopeptidase; plus strand). Cytogenetic location: 3q25.2.
Variant type: single nucleotide variant.
Coding change: c.269G>T on transcript NM_007289.4 (MANE Select); coding-DNA position 269, G replaced by T.
Protein change: p.Gly90Val; replaces glycine 90 with valine.
Molecular consequence: missense variant.
Genome position (GRCh38, 1-based): chr3:155,115,066, G>T. VCF-style: chr3-155115066-G-T. GRCh37 (hg19) VCF-style: chr3-154832855-G-T.
Other names: c.269G>T (NM_007289.2); c.269G>T, p.Gly90Val (NM_000902.5, NM_001354642.2, NM_001354643.1 and 2 more transcripts); short protein forms G90V.
Identifiers: ClinVar variation 1468062 (VCV001468062.7), dbSNP rs375446154, ClinGen allele CA2675090.